The following is an entry in ClinVar:

NM_000368.5(TSC1):c.3489C>T (p.His1163=)

Gene: TSC1 (TSC complex subunit 1; minus strand). Cytogenetic location: 9q34.13.
Variant type: single nucleotide variant.
Coding change: c.3489C>T on transcript NM_000368.5 (MANE Select); coding-DNA position 3489, C replaced by T.
Protein change: p.His1163=; no amino-acid change (histidine 1163 retained).
Molecular consequence: synonymous variant.
Genome position (GRCh38, 1-based): chr9:132,896,241, G>A on the plus strand (C>T on the coding strand, the complement: TSC1 is on the minus strand). VCF-style: chr9-132896241-G-A. GRCh37 (hg19) VCF-style: chr9-135771628-G-A.
Other names: c.3486C>T, p.His1162= (NM_001162426.2); c.3336C>T, p.His1112= (NM_001162427.2); c.3126C>T, p.His1042= (NM_001362177.2).
Identifiers: ClinVar variation 534484 (VCV000534484.12), dbSNP rs1554812527, ClinGen allele CA467812842.

ClinVar aggregate classification (germline): Benign/Likely benign. Review status: criteria provided, multiple submitters, no conflicts (2 of 4 stars). 3 submissions from 3 submitters: Benign (1); Likely benign (2). Last evaluated 2025-11-11.

Conditions:
Hereditary cancer-predisposing syndrome. Also called: Neoplastic Syndromes, Hereditary; Hereditary neoplastic syndrome; Tumor predisposition; Hereditary Cancer Syndrome. Identifiers: Orphanet 140162, MedGen C0027672, MeSH D009386, MONDO:0015356.
Tuberous sclerosis 1 (TSC1). Identifiers: Orphanet 805, MedGen C1854465, MONDO:0008612, OMIM 191100.

Submissions (3):

Labcorp Genetics (formerly Invitae), Labcorp
Classification: Likely benign for Tuberous sclerosis 1. Last evaluated: 2025-11-11. Review status: criteria provided, single submitter. Criteria: Invitae Variant Classification Sherloc (09022015). Collection method: clinical testing. Allele origin: germline.

Myriad Genetics, Inc.
Classification: Benign for Tuberous sclerosis 1. Last evaluated: 2025-04-30. Review status: criteria provided, single submitter. Criteria: Myriad Autosomal Dominant, Autosomal Recessive and X-Linked Classification Criteria (2023). Collection method: clinical testing. Allele origin: unknown.
Comment: This variant is considered benign. This variant is a silent/synonymous amino acid change and it is not expected to impact splicing.

Ambry Genetics
Classification: Likely benign for Hereditary cancer-predisposing syndrome. Last evaluated: 2020-03-11. Review status: criteria provided, single submitter. Criteria: Ambry Variant Classification Scheme 2023. Collection method: clinical testing. Allele origin: germline.